The following is an entry in ClinVar:

NM_003467.3(CXCR4):c.37A>G (p.Thr13Ala)

Gene: CXCR4 (C-X-C motif chemokine receptor 4; minus strand). Cytogenetic location: 2q22.1.
Variant type: single nucleotide variant.
Coding change: c.37A>G on transcript NM_003467.3 (MANE Select); coding-DNA position 37, A replaced by G.
Protein change: p.Thr13Ala; replaces threonine 13 with alanine.
Molecular consequence: missense variant. On other transcripts: 5 prime UTR variant (1).
Genome position (GRCh38, 1-based): chr2:136,115,891, T>C on the plus strand (A>G on the coding strand, the complement: CXCR4 is on the minus strand). VCF-style: chr2-136115891-T-C. GRCh37 (hg19) VCF-style: chr2-136873461-T-C.
Other names: c.49A>G, p.Thr17Ala (NM_001008540.2); c.250A>G, p.Thr84Ala (NM_001348056.2); c.136A>G, p.Thr46Ala (NM_001348059.2); c.-9A>G (NM_001348060.2); short protein forms T13A, T17A, T84A, T46A.
Identifiers: ClinVar variation 3721418 (VCV003721418.2).

ClinVar aggregate classification (germline): Uncertain significance (1 of 4 stars; one submission).

Conditions:
Warts, hypogammaglobulinemia, infections, and myelokathexis. Also called: WHIM syndrome. Identifiers: MedGen C0472817, MONDO:0023880.

Submission:

Labcorp Genetics (formerly Invitae), Labcorp
Classification: Uncertain significance for Warts, hypogammaglobulinemia, infections, and myelokathexis. Last evaluated: 2024-09-23. Review status: criteria provided, single submitter. Criteria: Invitae Variant Classification Sherloc (09022015). Collection method: clinical testing. Allele origin: germline.
Comment: This sequence change replaces threonine, which is neutral and polar, with alanine, which is neutral and non-polar, at codon 13 of the CXCR4 protein (p.Thr13Ala). This variant is present in population databases (rs762966305, gnomAD 0.009%). This variant has not been reported in the literature in individuals affected with CXCR4-related conditions. An algorithm developed to predict the effect of missense changes on protein structure and function (PolyPhen-2) suggests that this variant is likely to be tolerated. In summary, the available evidence is currently insufficient to determine the role of this variant in disease. Therefore, it has been classified as a Variant of Uncertain Significance.